The following is an entry in ClinVar:

NM_001378778.1(MPDZ):c.4553C>T (p.Ala1518Val)

Gene: MPDZ (multiple PDZ domain crumbs cell polarity complex component; minus strand). Cytogenetic location: 9p23.
Variant type: single nucleotide variant.
Coding change: c.4553C>T on transcript NM_001378778.1 (MANE Select); coding-DNA position 4553, C replaced by T.
Protein change: p.Ala1518Val; replaces alanine 1518 with valine.
Molecular consequence: missense variant.
Genome position (GRCh38, 1-based): chr9:13,126,684, G>A on the plus strand (C>T on the coding strand, the complement: MPDZ is on the minus strand). VCF-style: chr9-13126684-G-A. GRCh37 (hg19) VCF-style: chr9-13126683-G-A.
Other names: c.4553C>T (NM_003829.3); c.4454C>T, p.Ala1485Val (NM_001261406.2, NM_001261407.2, NM_001375416.1 and 3 more transcripts); c.4553C>T, p.Ala1518Val (NM_001330637.2, NM_003829.5); c.4652C>T, p.Ala1551Val (NM_001375413.1); c.4343C>T, p.Ala1448Val (NM_001375420.1, NM_001375421.1, NM_001375422.1 and 4 more transcripts); c.4145C>T, p.Ala1382Val (NM_001375427.1); short protein forms A1551V, A1382V, A1448V, A1485V, A1518V.
Identifiers: ClinVar variation 1484822 (VCV001484822.9), dbSNP rs367819537, ClinGen allele CA4986662.
Genomic context (GRCh38, chr9:13,126,684, plus strand): 5'-TCCAAAAGTAATTCCCTCCCCAACTACTTAATGACAGCAAGAAAGGTAAACCTCACCGTG[G>A]CTGCTACCCCATGCTCTGTTAAGCTCTTTATGATGACTCCACTGAGTGTATCTTCTTCGC-3'
Protein context (NP_001365707.1, residues 1508-1528): IKSLTEHGVA[Ala1518Val]TDGRLKVGDQ

ClinVar aggregate classification (germline): Uncertain significance. Review status: criteria provided, multiple submitters, no conflicts (2 of 4 stars). 2 submissions from 2 submitters: Uncertain significance (2). Last evaluated 2024-07-16.

Conditions:
Inborn genetic diseases. Identifiers: MedGen C0950123, MeSH D030342.

Allele frequency attached by ClinVar (database versions not stated): gnomAD 0.00001; gnomAD exomes 0.00001 and 0.00002; TOPMed 0.00001; ExAC 0.00003; ESP Exome Variant Server 0.00008.
gnomAD v4.1: 10 of 1,613,452 alleles (0.00062%); highest among the groups gnomAD compares: Non-Finnish European, 0.00034%; no homozygotes.

Submissions (2):

Ambry Genetics
Classification: Uncertain significance for Inborn genetic diseases. Last evaluated: 2024-07-16. Review status: criteria provided, single submitter. Criteria: Ambry Variant Classification Scheme 2023. Collection method: clinical testing. Allele origin: germline.

Labcorp Genetics (formerly Invitae), Labcorp
Classification: Uncertain significance. Last evaluated: 2021-04-02. Review status: criteria provided, single submitter. Criteria: Invitae Variant Classification Sherloc (09022015). Collection method: clinical testing. Allele origin: germline.
Comment: In summary, the available evidence is currently insufficient to determine the role of this variant in disease. Therefore, it has been classified as a Variant of Uncertain Significance. Algorithms developed to predict the effect of missense changes on protein structure and function (SIFT, PolyPhen-2, Align-GVGD) all suggest that this variant is likely to be disruptive, but these predictions have not been confirmed by published functional studies and their clinical significance is uncertain. This variant has not been reported in the literature in individuals with MPDZ-related conditions. This variant is present in population databases (rs367819537, ExAC 0.006%). This sequence change replaces alanine with valine at codon 1518 of the MPDZ protein (p.Ala1518Val). The alanine residue is highly conserved and there is a small physicochemical difference between alanine and valine.